The following is an entry in ClinVar:

ClinVar aggregate classification (germline): Uncertain significance (1 of 4 stars; one submission).

Conditions:
Familial adenomatous polyposis 1 (FAP1). Also called: POLYPOSIS, ADENOMATOUS INTESTINAL; FAMILIAL ADENOMATOUS POLYPOSIS 1, ATTENUATED. Identifiers: MedGen C2713442, MONDO:0021056, OMIM 175100. Disease mechanism: loss of function.

Allele frequency attached by ClinVar (database versions not stated): gnomAD exomes below 0.00001.
gnomAD v4.1: 1 of 1,611,450 alleles (0.000062%); highest among the groups gnomAD compares: Non-Finnish European, 0.000085%; no homozygotes.

Submission:

Labcorp Genetics (formerly Invitae), Labcorp
Classification: Uncertain significance for Familial adenomatous polyposis 1. Last evaluated: 2025-12-09. Review status: criteria provided, single submitter. Criteria: Invitae Variant Classification Sherloc (09022015). Collection method: clinical testing. Allele origin: germline.
Comment: This sequence change replaces histidine, which is basic and polar, with arginine, which is basic and polar, at codon 672 of the APC protein (p.His672Arg). This variant is not present in population databases (gnomAD no frequency). This variant has not been reported in the literature in individuals affected with APC-related conditions. ClinVar contains an entry for this variant (Variation ID: 1022020). Invitae Evidence Modeling of protein sequence and biophysical properties (such as structural, functional, and spatial information, amino acid conservation, physicochemical variation, residue mobility, and thermodynamic stability) indicates that this missense variant is not expected to disrupt APC protein function with a negative predictive value of 95%. In summary, the available evidence is currently insufficient to determine the role of this variant in disease. Therefore, it has been classified as a Variant of Uncertain Significance.

NM_000038.6(APC):c.2015A>G (p.His672Arg)

Gene: APC (APC regulator of Wnt signaling pathway; plus strand). Cytogenetic location: 5q22.2.
Variant type: single nucleotide variant.
Coding change: c.2015A>G on transcript NM_000038.6 (MANE Select); coding-DNA position 2015, A replaced by G.
Protein change: p.His672Arg; replaces histidine 672 with arginine.
Molecular consequence: missense variant.
Genome position (GRCh38, 1-based): chr5:112,837,609, A>G. VCF-style: chr5-112837609-A-G. GRCh37 (hg19) VCF-style: chr5-112173306-A-G.
Other names: c.2015A>G, p.His672Arg (NM_001127510.3, NM_001354895.2); c.1961A>G, p.His654Arg (NM_001127511.3); c.2069A>G, p.His690Arg (NM_001354896.2); c.2045A>G, p.His682Arg (NM_001354897.2); c.1940A>G, p.His647Arg (NM_001354898.2); c.1931A>G, p.His644Arg (NM_001354899.2); c.1892A>G, p.His631Arg (NM_001354900.2); c.1838A>G, p.His613Arg (NM_001354901.2); and 5 more; short protein forms H389R, H512R, H546R, H571R, H581R, H613R, H631R, H644R.
Identifiers: ClinVar variation 1022020 (VCV001022020.10), dbSNP rs1003813738, ClinGen allele CA16025723.